The following is an entry in ClinVar:

ClinVar aggregate classification (germline): Pathogenic. Review status: criteria provided, multiple submitters, no conflicts (2 of 4 stars). 2 submissions from 2 submitters: Pathogenic (2). Last evaluated 2026-01-20.

Conditions:
Hereditary cancer-predisposing syndrome. Also called: Tumor predisposition; Hereditary Cancer Syndrome; Neoplastic Syndromes, Hereditary; Hereditary neoplastic syndrome. Identifiers: Orphanet 140162, MedGen C0027672, MeSH D009386, MONDO:0015356.

Submissions (2):

Ambry Genetics
Classification: Pathogenic for Hereditary cancer-predisposing syndrome. Last evaluated: 2026-01-20. Review status: criteria provided, single submitter. Criteria: Ambry Variant Classification Scheme 2023. Collection method: clinical testing. Allele origin: germline.
Comment: The c.2725_2729delTTGAA pathogenic mutation, located in coding exon 4 of the MSH6 gene, results from a deletion of 5 nucleotides at nucleotide positions 2725 to 2729, causing a translational frameshift with a predicted alternate stop codon (p.L909Pfs*7). This variant is considered to be rare based on population cohorts in the Genome Aggregation Database (gnomAD). This alteration is expected to result in loss of function by premature protein truncation or nonsense-mediated mRNA decay. As such, this alteration is interpreted as a disease-causing mutation.

GeneDx
Classification: Pathogenic. Last evaluated: 2024-03-20. Review status: criteria provided, single submitter. Criteria: GeneDx Variant Classification Process June 2021. Collection method: clinical testing. Allele origin: germline. Affected: yes.
Comment: Frameshift variant predicted to result in protein truncation or nonsense mediated decay in a gene for which loss of function is a known mechanism of disease; Not observed at significant frequency in large population cohorts (gnomAD); Truncating variants in this gene are considered pathogenic by a well-established clinical consortium and/or database; Has not been previously published as pathogenic or benign to our knowledge

NM_000179.3(MSH6):c.2725_2729del (p.Leu909fs)

Gene: MSH6 (mutS homolog 6; plus strand). Cytogenetic location: 2p16.3.
Variant type: Deletion.
Coding change: c.2725_2729del on transcript NM_000179.3 (MANE Select); coding-DNA positions 2725 to 2729, 5 bases deleted (TTGAA; older notation c.2725_2729delTTGAA).
Protein change: p.Leu909fs; shifts the reading frame from leucine 909.
Molecular consequence: frameshift variant.
Genome position (GRCh38, 1-based): chr2:47,800,708-47,800,712, TTGAA deleted; deleting any 5 consecutive bases within chr2:47,800,705-47,800,712 gives the same sequence; the c. name uses the placement nearest the transcript's 3' end. VCF-style (leftmost placement, unchanged base first): chr2-47800704-AGAATT-A. GRCh37 (hg19) VCF-style: chr2-48027843-AGAATT-A.
Other names: c.2725_2729delTTGAA (NM_000179.2); c.2725_2729del (NM_000179.2); c.2335_2339del, p.Leu779fs (NM_001281492.2); c.1819_1823del, p.Leu607fs (NM_001281493.2, NM_001281494.2); short protein forms L909fs, L607fs, L779fs.
Identifiers: ClinVar variation 545849 (VCV000545849.4), dbSNP rs1553414058, ClinGen allele CA658822259.